The following is an entry in ClinVar:

NM_000538.4(RFXAP):c.814A>G (p.Met272Val)

Gene: RFXAP (regulatory factor X associated protein; plus strand). Cytogenetic location: 13q13.3.
Variant type: single nucleotide variant.
Coding change: c.814A>G on transcript NM_000538.4 (MANE Select); coding-DNA position 814, A replaced by G.
Protein change: p.Met272Val; replaces methionine 272 with valine.
Molecular consequence: missense variant.
Genome position (GRCh38, 1-based): chr13:36,827,748, A>G. VCF-style: chr13-36827748-A-G. GRCh37 (hg19) VCF-style: chr13-37401885-A-G.
Other names: short protein forms M272V.
Identifiers: ClinVar variation 658431 (VCV000658431.8), dbSNP rs772726674, ClinGen allele CA6950297.

ClinVar aggregate classification (germline): Uncertain significance (1 of 4 stars; one submission).

Conditions:
MHC class II deficiency. Also called: Bare lymphocyte syndrome 2; BLS, TYPE II. Identifiers: Orphanet 572, MedGen C5447452, MONDO:0008855.

Allele frequency attached by ClinVar (database versions not stated): ExAC 0.00002; gnomAD exomes 0.00002; gnomAD 0.00003; TOPMed 0.00003.
gnomAD v4.1: 27 of 1,609,974 alleles (0.0017%); highest among the groups gnomAD compares: East Asian, 0.0067%; no homozygotes.

Submission:

Labcorp Genetics (formerly Invitae), Labcorp
Classification: Uncertain significance for MHC class II deficiency. Last evaluated: 2024-02-05. Review status: criteria provided, single submitter. Criteria: Invitae Variant Classification Sherloc (09022015). Collection method: clinical testing. Allele origin: germline.
Comment: This sequence change replaces methionine, which is neutral and non-polar, with valine, which is neutral and non-polar, at codon 272 of the RFXAP protein (p.Met272Val). This variant is present in population databases (rs772726674, gnomAD 0.004%). This variant has not been reported in the literature in individuals affected with RFXAP-related conditions. ClinVar contains an entry for this variant (Variation ID: 658431). Algorithms developed to predict the effect of missense changes on protein structure and function output the following: SIFT: "Not Available"; PolyPhen-2: "Benign"; Align-GVGD: "Not Available". The valine amino acid residue is found in multiple mammalian species, which suggests that this missense change does not adversely affect protein function. In summary, the available evidence is currently insufficient to determine the role of this variant in disease. Therefore, it has been classified as a Variant of Uncertain Significance.